The following is an entry in ClinVar:

ClinVar aggregate classification (germline): Uncertain significance (1 of 4 stars; one submission).

gnomAD v4.1: 2 of 1,203,081 alleles (0.00017%); highest among the groups gnomAD compares: Admixed American, 0.0044%; no homozygotes.

Submission:

CeGaT Center for Human Genetics Tuebingen
Classification: Uncertain significance. Last evaluated: 2026-05-01. Review status: criteria provided, single submitter. Criteria: CeGaT Center For Human Genetics Tuebingen Variant Classification Criteria Version 2. Collection method: clinical testing. Allele origin: germline. Affected: yes. Observed: 1 variant allele.
Comment: PPP1R3F: PM2

NM_033215.5(PPP1R3F):c.1280G>A (p.Gly427Asp)

Gene: PPP1R3F (protein phosphatase 1 regulatory subunit 3F; plus strand). Cytogenetic location: Xp11.23.
Variant type: single nucleotide variant.
Coding change: c.1280G>A on transcript NM_033215.5 (MANE Select); coding-DNA position 1280, G replaced by A.
Protein change: p.Gly427Asp; replaces glycine 427 with aspartic acid.
Molecular consequence: missense variant.
Genome position (GRCh38, 1-based): chrX:49,285,970, G>A. VCF-style: chrX-49285970-G-A. GRCh37 (hg19) VCF-style: chrX-49142432-G-A.
Other names: c.242G>A, p.Gly81Asp (NM_001184745.2); short protein forms G427D, G81D.
Identifiers: ClinVar variation 4874824 (VCV004874824.2).